The following is an entry in ClinVar:

ClinVar aggregate classification (germline): Pathogenic (1 of 4 stars; one submission).

Submission:

Labcorp Genetics (formerly Invitae), Labcorp
Classification: Pathogenic. Last evaluated: 2023-08-12. Review status: criteria provided, single submitter. Criteria: Invitae Variant Classification Sherloc (09022015). Collection method: clinical testing. Allele origin: unknown.
Comment: This variant results in the deletion of part of exon 10 (c.787_879-2070delins61) of the RARS2 gene. It is expected to disrupt RNA splicing. Variants that disrupt the donor or acceptor splice site typically lead to a loss of protein function (PMID: 16199547), and loss-of-function variants in RARS2 are known to be pathogenic (PMID: 17847012, 22569581, 26083569). This variant has not been reported in the literature in individuals affected with RARS2-related conditions. This variant disrupts a region of the RARS2 protein in which other variant(s) (p.Leu283Gln) have been determined to be pathogenic (PMID: 2706168, 25533962, 31474318). This suggests that this is a clinically significant region of the protein, and that variants that disrupt it are likely to be disease-causing. For these reasons, this variant has been classified as Pathogenic.

Literature cited by the submitters: PubMed 16199547; PubMed 17847012; PubMed 22569581; PubMed 26083569; PubMed 2706168; PubMed 25533962; PubMed 31474318.

NC_000006.11:g.(?_88236440)_(88239351_?)del

Gene: RARS2 (arginyl-tRNA synthetase 2, mitochondrial; minus strand). Cytogenetic location: 6q15.
Variant type: Deletion.
Identifiers: ClinVar variation 3246234 (VCV003246234.1).